The following is an entry in ClinVar:

ClinVar aggregate classification (germline): Uncertain significance. Review status: criteria provided, multiple submitters, no conflicts (2 of 4 stars). 3 submissions from 3 submitters: Uncertain significance (3). Last evaluated 2024-10-06.

Allele frequency attached by ClinVar (database versions not stated): ExAC 0.00003; gnomAD exomes 0.00004; TOPMed 0.00004; gnomAD 0.00005 and 0.00006; ESP Exome Variant Server 0.00015.

Submissions (3):

GeneDx
Classification: Uncertain significance. Last evaluated: 2024-10-06. Review status: criteria provided, single submitter. Criteria: GeneDx Variant Classification Process June 2021. Collection method: clinical testing. Allele origin: germline. Affected: yes.
Comment: In silico analysis indicates that this missense variant does not alter protein structure/function; Has not been previously published as pathogenic or benign to our knowledge

Ambry Genetics
Classification: Uncertain significance. Last evaluated: 2024-01-19. Review status: criteria provided, single submitter. Criteria: Ambry Variant Classification Scheme 2023. Collection method: clinical testing. Allele origin: germline.

Labcorp Genetics (formerly Invitae), Labcorp
Classification: Uncertain significance. Last evaluated: 2022-07-06. Review status: criteria provided, single submitter. Criteria: Invitae Variant Classification Sherloc (09022015). Collection method: clinical testing. Allele origin: germline.
Comment: This sequence change replaces arginine, which is basic and polar, with tryptophan, which is neutral and slightly polar, at codon 784 of the RUSC2 protein (p.Arg784Trp). This variant is present in population databases (rs199600309, gnomAD 0.007%). This variant has not been reported in the literature in individuals affected with RUSC2-related conditions. ClinVar contains an entry for this variant (Variation ID: 1522196). Algorithms developed to predict the effect of missense changes on protein structure and function (SIFT, PolyPhen-2, Align-GVGD) all suggest that this variant is likely to be disruptive. In summary, the available evidence is currently insufficient to determine the role of this variant in disease. Therefore, it has been classified as a Variant of Uncertain Significance.

NM_014806.5(RUSC2):c.2350C>T (p.Arg784Trp)

Gene: RUSC2 (RUN and SH3 domain containing 2; plus strand). Cytogenetic location: 9p13.3.
Variant type: single nucleotide variant.
Coding change: c.2350C>T on transcript NM_014806.5 (MANE Select); coding-DNA position 2350, C replaced by T.
Protein change: p.Arg784Trp; replaces arginine 784 with tryptophan.
Molecular consequence: missense variant. On other transcripts: 5 prime UTR variant (1), non-coding transcript variant (1).
Genome position (GRCh38, 1-based): chr9:35,555,395, C>T. VCF-style: chr9-35555395-C-T. GRCh37 (hg19) VCF-style: chr9-35555392-C-T.
Other names: c.2350C>T, p.Arg784Trp (NM_001135999.2); c.-285C>T (NM_001330740.2); c.2350C>T (NM_001135999.1); short protein forms R784W.
Identifiers: ClinVar variation 1522196 (VCV001522196.5), dbSNP rs199600309, ClinGen allele CA5043847.
Genomic context (GRCh38, chr9:35,555,395, plus strand): 5'-AAAGCTGGGTCTGAGCCAGAGACCTCTCGGCCATCGCCCCTGGGCAGCTACTCCCCCATC[C>T]GGAGTGTTGGCCCCTTTGGGCCCAGCACTGACTCTTCTGCCTCCACTTCGTGCTCCCCTC-3'
Protein context (NP_055621.2, residues 774-794): PSPLGSYSPI[Arg784Trp]SVGPFGPSTD